The following is an entry in ClinVar:

NM_015335.5(MED13L):c.5083dup (p.Ser1695fs)

Gene: MED13L (mediator complex subunit 13L; minus strand). Cytogenetic location: 12q24.21.
Variant type: Duplication.
Coding change: c.5083dup on transcript NM_015335.5 (MANE Select); coding-DNA position 5083, one base duplicated (T; older notation c.5083dupT).
Protein change: p.Ser1695fs; shifts the reading frame from serine 1695.
Molecular consequence: frameshift variant.
Genome position (GRCh38, 1-based): chr12:115,982,476, A duplicated on the plus strand (T on the coding strand, the reverse complement: MED13L is on the minus strand); the first of 2 consecutive A bases (chr12:115,982,476-115,982,477); duplicating either gives the same sequence. VCF-style (leftmost placement, unchanged base first): chr12-115982475-G-GA. GRCh37 (hg19) VCF-style: chr12-116420280-G-GA.
Other names: c.5083dupT (NM_015335.4); short protein forms S1695fs.
Identifiers: ClinVar variation 418802 (VCV000418802.2), dbSNP rs1555243086, ClinGen allele CA16619440.

ClinVar aggregate classification (germline): Pathogenic (1 of 4 stars; one submission).

Submission:

GeneDx
Classification: Pathogenic. Last evaluated: 2015-04-02. Review status: criteria provided, single submitter. Criteria: GeneDx Variant Classification (06012015). Collection method: clinical testing. Allele origin: germline. Affected: yes.
Comment: The c.5083dupT variant in the MED13L gene has not been reported previously as a pathogenic variant nor as a benign polymorphism, to our knowledge. The c.5083dupT variant causes a frameshiftstarting with codon Serine 1695, changes this amino acid to a Phenylalanine residue and creates apremature Stop codon at position 19 of the new reading frame, denoted p.S1695FfsX19. This duplication ispredicted to cause loss of normal protein function either through protein truncation or nonsense-mediatedmRNA decay. The c.5083dupT variant was not observed in approximately 6500 individuals of Europeanand African American ancestry in the NHLBI Exome Sequencing Project, indicating it is not a commonbenign variant in these populations. We interpret c.5083dupT as a pathogenic variant.